The following is an entry in ClinVar:

NM_033380.3(COL4A5):c.4293C>T (p.Asp1431=)

Gene: COL4A5 (collagen type IV alpha 5 chain; plus strand). Cytogenetic location: Xq22.3.
Variant type: single nucleotide variant.
Coding change: c.4293C>T on transcript NM_033380.3 (MANE Select); coding-DNA position 4293, C replaced by T.
Protein change: p.Asp1431=; no amino-acid change (aspartic acid 1431 retained).
Molecular consequence: synonymous variant.
Genome position (GRCh38, 1-based): chrX:108,686,107, C>T. VCF-style: chrX-108686107-C-T. GRCh37 (hg19) VCF-style: chrX-107929337-C-T.
Other names: p.Asp1425=; c.4275C>T, p.Asp1425= (NM_000495.5).
Identifiers: ClinVar variation 24722 (VCV000024722.27), dbSNP rs61746140, ClinGen allele CA259012.
Genomic context (GRCh38, chrX:108,686,107, plus strand): 5'-AGGAGATCCTGGACGCAATGGACTCCCTGGCTTTGATGGTGCAGGAGGGCGCAAAGGAGA[C>T]CCAGGTCTGCCAGGACAGCCAGGTAAGACAAGTAAAACATGCTGTTGGTGGAGGGAAAGT-3'
Protein context (NP_203699.1, residues 1421-1441): GFDGAGGRKG[Asp1431=]PGLPGQPGTR

ClinVar aggregate classification (germline): Benign. Review status: criteria provided, multiple submitters, no conflicts (2 of 4 stars). 10 submissions from 10 submitters: Benign (9). 1 of the submissions does not count toward it. Last evaluated 2026-02-04.

Conditions:
X-linked Alport syndrome (ATS1). Also called: COL4A5-Related Nephropathy; NEPHROPATHY AND DEAFNESS, X-LINKED. Identifiers: Orphanet 63, Orphanet 88917, MedGen C4746986, MONDO:0010520, OMIM 301050.

Allele frequency attached by ClinVar (database versions not stated): gnomAD exomes 0.03672 and 0.01288; ExAC 0.04624; gnomAD 0.09606 and 0.10149; TOPMed 0.11124; ESP Exome Variant Server 0.11550; 1000 Genomes Project 0.12742; 1000 Genomes Project 30x 0.13715.
gnomAD v4.1: 25,470 of 1,207,264 alleles (2.1%); highest among the groups gnomAD compares: African/African-American, 32%; 2,328 homozygotes.

Submissions (10):

Labcorp Genetics (formerly Invitae), Labcorp
Classification: Benign. Last evaluated: 2026-02-04. Review status: criteria provided, single submitter. Criteria: Invitae Variant Classification Sherloc (09022015). Collection method: clinical testing. Allele origin: germline.

Blueprint Genetics
Classification: Benign. Last evaluated: 2024-11-27. Review status: criteria provided, single submitter. Criteria: ACMG Guidelines, 2015. Collection method: clinical testing. Allele origin: germline.

Mayo Clinic Laboratories, Mayo Clinic
Classification: Benign. Last evaluated: 2023-03-26. Review status: criteria provided, single submitter. Criteria: ACMG Guidelines, 2015. Collection method: clinical testing. Allele origin: germline. Observed: 33 variant alleles.

Women's Health and Genetics/Laboratory Corporation of America, LabCorp
Classification: Benign. Last evaluated: 2021-12-10. Review status: criteria provided, single submitter. Criteria: LabCorp Variant Classification Summary - May 2015. Collection method: clinical testing. Allele origin: germline.

ARUP Laboratories, Molecular Genetics and Genomics, ARUP Laboratories
Classification: Benign for X-linked Alport syndrome. Last evaluated: 2020-01-21. Review status: criteria provided, single submitter. Criteria: ARUP Molecular Germline Variant Investigation Process. Collection method: clinical testing. Allele origin: germline.

GeneDx
Classification: Benign. Last evaluated: 2018-05-04. Review status: criteria provided, single submitter. Criteria: GeneDx Variant Classification (06012015). Collection method: clinical testing. Allele origin: germline. Affected: yes.
Comment: This variant is considered likely benign or benign based on one or more of the following criteria: it is a conservative change, it occurs at a poorly conserved position in the protein, it is predicted to be benign by multiple in silico algorithms, and/or has population frequency not consistent with disease.

Laboratory for Molecular Medicine, Mass General Brigham Personalized Medicine
Classification: Benign. Last evaluated: 2016-03-21. Review status: criteria provided, single submitter. Criteria: LMM Criteria. Collection method: clinical testing. Allele origin: germline. Observed: 18 variant alleles.
Comment: p.Asp1431Asp in exon 48 of COL4A5: This variant is not expected to have clinical significance because it does not alter an amino acid residue, is not located wi thin the splice consensus sequence, and has been identified in 36.69% (368/1003) of African chromosomes by the 1000 Genomes Project (Phase 3; dbSNP rs61746140).

Breakthrough Genomics
Classification: Benign. Review status: criteria provided, single submitter. Criteria: ACMG Guidelines, 2015. Collection method: not provided. Allele origin: germline. Inheritance: X-linked inheritance. Affected: yes.

PreventionGenetics, part of Exact Sciences
Classification: Benign. Review status: criteria provided, single submitter. Criteria: ACMG Guidelines, 2015. Collection method: clinical testing. Allele origin: germline.

Natera, Inc.
Classification: Benign for X-linked Alport syndrome. Last evaluated: 2020-09-16. Review status: no assertion criteria provided. Collection method: clinical testing. Allele origin: germline. Not counted in ClinVar's aggregate classification.